The following is an entry in ClinVar:

NM_000059.4(BRCA2):c.6445_6446dup (p.Lys2150fs)

Gene: BRCA2 (BRCA2 DNA repair associated; plus strand). Cytogenetic location: 13q13.1.
Variant type: Duplication.
Coding change: c.6445_6446dup on transcript NM_000059.4 (MANE Select); coding-DNA positions 6445 to 6446, 2 bases duplicated (AT; older notation c.6445_6446dupAT).
Protein change: p.Lys2150fs; shifts the reading frame from lysine 2150.
Molecular consequence: frameshift variant.
Genome position (GRCh38, 1-based): chr13:32,340,800-32,340,801, AT duplicated; duplicating any 2 consecutive bases within chr13:32,340,799-32,340,801 gives the same sequence; the c. name uses the placement nearest the transcript's 3' end. VCF-style (leftmost placement, unchanged base first): chr13-32340798-C-CTA. GRCh37 (hg19) VCF-style: chr13-32914935-C-CTA.
Other names: short protein forms K2150fs.
Identifiers: ClinVar variation 1753566 (VCV001753566.8), dbSNP rs80359592, ClinGen allele CA919242714.

ClinVar aggregate classification (germline): Pathogenic. Review status: criteria provided, multiple submitters, no conflicts (2 of 4 stars). 2 submissions from 2 submitters: Pathogenic (2). Last evaluated 2024-12-17.

Conditions:
Hereditary breast ovarian cancer syndrome. Also called: Hereditary breast and ovarian cancer syndrome (HBOC); Hereditary breast and ovarian cancer; BRCA1- and BRCA2-Associated Hereditary Breast and Ovarian Cancer; Hereditary breast and ovarian cancer syndrome; Breast and ovarian cancer; Hereditary breast and/or ovarian cancer syndrome. Identifiers: Orphanet 145, MedGen C0677776, MeSH D061325, MONDO:0003582. Disease mechanism: loss of function.
Hereditary cancer-predisposing syndrome. Also called: Neoplastic Syndromes, Hereditary; Tumor predisposition; Hereditary Cancer Syndrome; Hereditary neoplastic syndrome. Identifiers: Orphanet 140162, MedGen C0027672, MeSH D009386, MONDO:0015356.

Submissions (2):

Ambry Genetics
Classification: Pathogenic for Hereditary cancer-predisposing syndrome. Last evaluated: 2024-12-17. Review status: criteria provided, single submitter. Criteria: Ambry Variant Classification Scheme 2023. Collection method: clinical testing. Allele origin: germline.
Comment: The c.6445_6446dupAT pathogenic mutation, located in coding exon 10 of the BRCA2 gene, results from a duplication of AT at nucleotide position 6445, causing a translational frameshift with a predicted alternate stop codon (p.K2150Lfs*19). This variant is considered to be rare based on population cohorts in the Genome Aggregation Database (gnomAD). This alteration is expected to result in loss of function by premature protein truncation or nonsense-mediated mRNA decay. As such, this alteration is interpreted as a disease-causing mutation.

Labcorp Genetics (formerly Invitae), Labcorp
Classification: Pathogenic for Hereditary breast ovarian cancer syndrome. Last evaluated: 2024-06-23. Review status: criteria provided, single submitter. Criteria: Invitae Variant Classification Sherloc (09022015). Collection method: clinical testing. Allele origin: germline.
Comment: This sequence change creates a premature translational stop signal (p.Lys2150Leufs*19) in the BRCA2 gene. It is expected to result in an absent or disrupted protein product. Loss-of-function variants in BRCA2 are known to be pathogenic (PMID: 20104584). This variant is not present in population databases (gnomAD no frequency). This premature translational stop signal has been observed in individual(s) with breast and ovarian cancer (PMID: 28724667, 31825140). ClinVar contains an entry for this variant (Variation ID: 1753566). For these reasons, this variant has been classified as Pathogenic.

Literature cited by the submitters: PubMed 20104584 (cited by Labcorp Genetics (formerly Invitae), Labcorp); PubMed 28724667 (cited by Labcorp Genetics (formerly Invitae), Labcorp); PubMed 31825140 (cited by Labcorp Genetics (formerly Invitae), Labcorp).